The following is an entry in ClinVar:

ClinVar aggregate classification (germline): Pathogenic. Review status: criteria provided, multiple submitters, no conflicts (2 of 4 stars). 2 submissions from 2 submitters: Pathogenic (2). Last evaluated 2022-01-03.

Conditions:
Polycystic kidney disease, adult type (PKD1). Also called: POLYCYSTIC KIDNEY DISEASE 1 WITH OR WITHOUT POLYCYSTIC LIVER DISEASE; POLYCYSTIC KIDNEY DISEASE, ADULT, TYPE I; Polycystic Kidney, Autosomal Dominant; Polycystic Kidney Disease 1, Autosomal Dominant; Polycystic kidney disease 1; Polycystic kidney disease 1, severe. Identifiers: MedGen C3149841, MONDO:0008263, OMIM 173900.

Submissions (2):

Fulgent Genetics
Classification: Pathogenic for Polycystic kidney disease, adult type. Last evaluated: 2022-01-03. Review status: criteria provided, single submitter. Criteria: ACMG Guidelines, 2015. Collection method: clinical testing. Allele origin: unknown.

ARUP Laboratories, Molecular Genetics and Genomics, ARUP Laboratories
Classification: Pathogenic for Polycystic kidney disease, adult type. Last evaluated: 2019-03-08. Review status: criteria provided, single submitter. Criteria: ARUP Molecular Germline Variant Investigation Process. Collection method: clinical testing. Allele origin: germline.
Comment: The PKD1 c.5141delT; p.Phe1714fs variant has been described in at least one individual with autosomal dominant polycystic kidney disease (ADPKD; see link to Mayo ADPKD database). It is absent from general population databases (Exome Variant Server and Genome Aggregation Database), indicating it is not a common polymorphism. This variant causes a frameshift by deleting a single nucleotide, so it is predicted to result in a truncated protein or mRNA subject to nonsense-mediated decay. Additionally, several downstream truncating variant have been described in individuals affected with ADPKD and are considered pathogenic (Audrezet 2012, Rossetti 2007). Based on available information, the p.Phe1714fs variant is considered pathogenic. REFERENCES Link to Mayo ADPKD database: Audrezet M et al. Autosomal dominant polycystic kidney disease: comprehensive mutation analysis of PKD1 and PKD2 in 700 unrelated patients. Hum Mutat. 2012 Aug;33(8):1239-50. Rossetti S et al. Comprehensive molecular diagnostics in autosomal dominant polycystic kidney disease. J Am Soc Nephrol. 2007 Jul;18(7):2143-60.

NM_001009944.3(PKD1):c.5141del (p.Phe1714fs)

Gene: PKD1 (polycystin 1, transient receptor potential channel interacting; minus strand). Cytogenetic location: 16p13.3.
Variant type: Deletion.
Coding change: c.5141del on transcript NM_001009944.3 (MANE Select); coding-DNA position 5141, one base deleted (T; older notation c.5141delT).
Protein change: p.Phe1714fs; shifts the reading frame from phenylalanine 1714.
Molecular consequence: frameshift variant.
Genome position (GRCh38, 1-based): chr16:2,110,026, A deleted on the plus strand (T on the coding strand, the reverse complement: PKD1 is on the minus strand); the first of 2 consecutive A bases (chr16:2,110,026-2,110,027); deleting either gives the same sequence. VCF-style (leftmost placement, unchanged base first): chr16-2110025-GA-G. GRCh37 (hg19) VCF-style: chr16-2160026-GA-G.
Other names: c.5141del, p.Phe1714fs (NM_000296.4); short protein forms F1714fs.
Identifiers: ClinVar variation 811337 (VCV000811337.9), dbSNP rs1596556375, ClinGen allele CA915949024.